The following is an entry in ClinVar:

NM_203446.3(SYNJ1):c.1126A>G (p.Ser376Gly)

Gene: SYNJ1 (synaptojanin 1; minus strand). Cytogenetic location: 21q22.11.
Variant type: single nucleotide variant.
Coding change: c.1126A>G on transcript NM_203446.3 (MANE Select); coding-DNA position 1126, A replaced by G.
Protein change: p.Ser376Gly; replaces serine 376 with glycine.
Molecular consequence: missense variant.
Genome position (GRCh38, 1-based): chr21:32,684,112, T>C on the plus strand (A>G on the coding strand, the complement: SYNJ1 is on the minus strand). VCF-style: chr21-32684112-T-C. GRCh37 (hg19) VCF-style: chr21-34056422-T-C.
Other names: c.1126A>G, p.Ser376Gly (NM_001160302.2, NM_001160306.2); c.1243A>G, p.Ser415Gly (NM_003895.4); short protein forms S376G, S415G.
Identifiers: ClinVar variation 844134 (VCV000844134.10), dbSNP rs1163151498, ClinGen allele CA410091714.

ClinVar aggregate classification (germline): Uncertain significance (1 of 4 stars; one submission).

Conditions:
Developmental and epileptic encephalopathy, 53. Also called: Epileptic encephalopathy, early infantile, 53. Identifiers: MedGen C4479313, MONDO:0033362, OMIM 617389.
Early-onset Parkinson disease 20. Also called: PARKINSON DISEASE 20, AUTOSOMAL RECESSIVE EARLY-ONSET. Identifiers: Orphanet 391411, MedGen C3809824, MONDO:0014233, OMIM 615530.

Allele frequency attached by ClinVar (database versions not stated): TOPMed 0.00001.
gnomAD v4.1: 2 of 1,613,386 alleles (0.00012%); highest among the groups gnomAD compares: Non-Finnish European, 0.00017%; no homozygotes.

Submission:

Labcorp Genetics (formerly Invitae), Labcorp
Classification: Uncertain significance for Developmental and epileptic encephalopathy, 53; Early-onset Parkinson disease 20. Last evaluated: 2025-03-31. Review status: criteria provided, single submitter. Criteria: Invitae Variant Classification Sherloc (09022015). Collection method: clinical testing. Allele origin: germline.
Comment: This sequence change replaces serine, which is neutral and polar, with glycine, which is neutral and non-polar, at codon 415 of the SYNJ1 protein (p.Ser415Gly). This variant is not present in population databases (gnomAD no frequency). This variant has not been reported in the literature in individuals affected with SYNJ1-related conditions. ClinVar contains an entry for this variant (Variation ID: 844134). Invitae Evidence Modeling of protein sequence and biophysical properties (such as structural, functional, and spatial information, amino acid conservation, physicochemical variation, residue mobility, and thermodynamic stability) indicates that this missense variant is not expected to disrupt SYNJ1 protein function with a negative predictive value of 80%. Algorithms developed to predict the effect of sequence changes on RNA splicing suggest that this variant may disrupt the consensus splice site. In summary, the available evidence is currently insufficient to determine the role of this variant in disease. Therefore, it has been classified as a Variant of Uncertain Significance.